The following is an entry in ClinVar:

ClinVar aggregate classification (germline): Likely benign (0 of 4 stars; one submission).

Conditions:
COL11A1-related disorder. Also called: COL11A1-related condition; COL11A1-related disorders.

Allele frequency attached by ClinVar (database versions not stated): TOPMed below 0.00001.
gnomAD v4.1: 8 of 1,602,268 alleles (0.0005%); highest among the groups gnomAD compares: Admixed American, 0.0017%; no homozygotes.

Submission:

PreventionGenetics, part of Exact Sciences
Classification: Likely benign for COL11A1-related condition. Last evaluated: 2023-12-11. Review status: no assertion criteria provided. Collection method: clinical testing. Allele origin: germline.
Comment: This variant is classified as likely benign based on ACMG/AMP sequence variant interpretation guidelines (Richards et al. 2015 PMID: 25741868, with internal and published modifications).

NM_001854.4(COL11A1):c.991-32G>A

Gene: COL11A1 (collagen type XI alpha 1 chain; minus strand). Cytogenetic location: 1p21.1.
Variant type: single nucleotide variant.
Coding change: c.991-32G>A on transcript NM_001854.4 (MANE Select); 32 bases into the intron before coding-DNA position 991, G replaced by A.
Molecular consequence: intron variant.
Genome position (GRCh38, 1-based): chr1:103,023,028, C>T on the plus strand (G>A on the coding strand, the complement: COL11A1 is on the minus strand). VCF-style: chr1-103023028-C-T. GRCh37 (hg19) VCF-style: chr1-103488584-C-T.
Other names: c.874-32G>A (NM_001190709.2); c.1027-32G>A (NM_080629.3); c.898-1259G>A (NM_080630.4).
Identifiers: ClinVar variation 3061585 (VCV003061585.2), dbSNP rs781456309, ClinGen allele CA975154.
Genomic context (GRCh38, chr1:103,023,028, plus strand): 5'-TCAGTAAATATTTCTTCAACTGGATTTGGCTATTAATTTAAATTGCAAGGAATTGAGGAA[C>T]ATGAAGTTTATTGTTAGTAAAGCAAGGTAAGCATTTAAATTACAATTTGATAGCGTGTGA-3'